The following is an entry in ClinVar:

NM_002872.5(RAC2):c.544A>G (p.Thr182Ala)

Gene: RAC2 (Rac family small GTPase 2; minus strand). Cytogenetic location: 22q13.1.
Variant type: single nucleotide variant.
Coding change: c.544A>G on transcript NM_002872.5 (MANE Select); coding-DNA position 544, A replaced by G.
Protein change: p.Thr182Ala; replaces threonine 182 with alanine.
Molecular consequence: missense variant.
Genome position (GRCh38, 1-based): chr22:37,226,708, T>C on the plus strand (A>G on the coding strand, the complement: RAC2 is on the minus strand). VCF-style: chr22-37226708-T-C. GRCh37 (hg19) VCF-style: chr22-37622748-T-C.
Other names: short protein forms T182A.
Identifiers: ClinVar variation 1056472 (VCV001056472.9), dbSNP rs775274909, ClinGen allele CA10217460.

ClinVar aggregate classification (germline): Uncertain significance (1 of 4 stars; one submission).

Conditions:
Neutrophil immunodeficiency syndrome. Also called: Immunodeficiency 73A with defective neutrophil chemotaxis and leukocytosis. Identifiers: Orphanet 183707, MedGen C1842398, MONDO:0011988, OMIM 608203.

Allele frequency attached by ClinVar (database versions not stated): TOPMed below 0.00001.
gnomAD v4.1: 8 of 1,613,098 alleles (0.0005%); highest among the groups gnomAD compares: Non-Finnish European, 0.00068%; no homozygotes.

Submission:

Labcorp Genetics (formerly Invitae), Labcorp
Classification: Uncertain significance for Neutrophil immunodeficiency syndrome. Last evaluated: 2023-05-23. Review status: criteria provided, single submitter. Criteria: Invitae Variant Classification Sherloc (09022015). Collection method: clinical testing. Allele origin: germline.
Comment: This sequence change replaces threonine, which is neutral and polar, with alanine, which is neutral and non-polar, at codon 182 of the RAC2 protein (p.Thr182Ala). In summary, the available evidence is currently insufficient to determine the role of this variant in disease. Therefore, it has been classified as a Variant of Uncertain Significance. Advanced modeling of protein sequence and biophysical properties (such as structural, functional, and spatial information, amino acid conservation, physicochemical variation, residue mobility, and thermodynamic stability) performed at Invitae indicates that this missense variant is not expected to disrupt RAC2 protein function. This variant has not been reported in the literature in individuals affected with RAC2-related conditions. This variant is present in population databases (rs775274909, gnomAD 0.0009%).